The following is an entry in ClinVar:

ClinVar aggregate classification (germline): Uncertain significance (1 of 4 stars; one submission).

gnomAD v4.1: 10 of 1,613,228 alleles (0.00062%); highest among the groups gnomAD compares: Non-Finnish European, 0.00068%; no homozygotes.

Submission:

Dasa
Classification: Uncertain significance. Last evaluated: 2025-06-29. Review status: criteria provided, single submitter. Criteria: DASA Assertion Criteria. Collection method: clinical testing. Allele origin: germline.
Comment: NM_001287491.2(TET3):c.4513G>A (p.Gly1505Arg) is a missense variant that results in the substitution of glycine with arginine. This variant is rare in population databases. Computational prediction algorithms are consistent with a benign effect. The currently available literature and clinical evidence are not sufficient to establish a definitive association between this variant and the reported condition. Therefore, this variant is classified as a variant of uncertain significance.

NM_001287491.2(TET3):c.4513G>A (p.Gly1505Arg)

Gene: TET3 (tet methylcytosine dioxygenase 3; plus strand). Cytogenetic location: 2p13.1.
Variant type: single nucleotide variant.
Coding change: c.4513G>A on transcript NM_001287491.2 (MANE Select); coding-DNA position 4513, G replaced by A.
Protein change: p.Gly1505Arg; replaces glycine 1505 with arginine.
Molecular consequence: missense variant.
Genome position (GRCh38, 1-based): chr2:74,101,301, G>A. VCF-style: chr2-74101301-G-A. GRCh37 (hg19) VCF-style: chr2-74328428-G-A.
Other names: c.4234G>A, p.Gly1412Arg (NM_001366022.1); short protein forms G1412R, G1505R.
Identifiers: ClinVar variation 4885322 (VCV004885322.2).